The following is an entry in ClinVar:

NM_004184.4(WARS1):c.355C>T (p.Arg119Ter)

Gene: WARS1 (tryptophanyl-tRNA synthetase 1; minus strand). Cytogenetic location: 14q32.2.
Variant type: single nucleotide variant.
Coding change: c.355C>T on transcript NM_004184.4 (MANE Select); coding-DNA position 355, C replaced by T.
Protein change: p.Arg119Ter; replaces arginine 119 with a stop codon.
Molecular consequence: nonsense.
Genome position (GRCh38, 1-based): chr14:100,360,621, G>A on the plus strand (C>T on the coding strand, the complement: WARS1 is on the minus strand). VCF-style: chr14-100360621-G-A. GRCh37 (hg19) VCF-style: chr14-100826958-G-A.
Other names: p.Arg119*; c.355C>T, p.Arg119Ter (NM_173701.2); c.232C>T, p.Arg78Ter (NM_213645.2, NM_213646.2); short protein forms R119*, R78*.
Identifiers: ClinVar variation 3069022 (VCV003069022.4), dbSNP rs1412389611, ClinGen allele CA390983306.

ClinVar aggregate classification (germline): Uncertain significance. Review status: criteria provided, multiple submitters, no conflicts (2 of 4 stars). 3 submissions from 3 submitters: Uncertain significance (3). Last evaluated 2026-05-01.

Allele frequency attached by ClinVar (database versions not stated): gnomAD 0.00001.
gnomAD v4.1: 4 of 1,613,610 alleles (0.00025%); highest among the groups gnomAD compares: Admixed American, 0.0033%; no homozygotes.

Submissions (3):

Clinical Genomics Laboratory, Washington University in St. Louis
Classification: Uncertain significance. Last evaluated: 2026-05-01. Review status: criteria provided, single submitter. Criteria: ACMG Guidelines, 2015. Collection method: clinical testing. Allele origin: germline.
Comment: The WARS c.355C>T (p.Arg119*) variant, to our knowledge, has not been reported in the medical literature but has been reported in the ClinVar database as a germline variant of uncertain significance by a single submitter. This variant causes premature termination codon, which is predicted to lead to nonsense mediated decay. This variant is only observed in 4/1,613,610 alleles in the general population (gnomAD v4.1.1), indicating it is not a common variant. Due to limited information, the clinical significance of this variant is uncertain.

Mayo Clinic Laboratories, Mayo Clinic
Classification: Uncertain significance. Last evaluated: 2025-05-21. Review status: criteria provided, single submitter. Criteria: ACMG Guidelines, 2015. Collection method: clinical testing. Allele origin: germline. Observed: 1 variant allele.

Women's Health and Genetics/Laboratory Corporation of America, LabCorp
Classification: Uncertain significance. Last evaluated: 2024-02-20. Review status: criteria provided, single submitter. Criteria: LabCorp Variant Classification Summary - May 2015. Collection method: clinical testing. Allele origin: germline.
Comment: Variant summary: WARS1 c.355C>T (p.Arg119X) results in a premature termination codon, predicted to cause a truncation of the encoded protein or absence of the protein due to nonsense mediated decay, however current evidence is not sufficient to establish loss-of-function variants in WARS1 as causative of disease. The variant allele was found at a frequency of 2.5e-06 in 1613610 control chromosomes (gnomAD). The available data on variant occurrences in the general population are insufficient to allow any conclusion about variant significance. c.355C>T has been reported in the literature in an individual from Autism Spectrum Disorder study cohort (example: Kosmicki_2017). This report does not provide unequivocal conclusions about association of the variant with WARS1-Related Disorders. To our knowledge, no experimental evidence demonstrating an impact on protein function has been reported. The following publication has been ascertained in the context of this evaluation (PMID: 28191890). No submitters have cited clinical-significance assessments for this variant to ClinVar. Based on the evidence outlined above, the variant was classified as uncertain significance.

Literature cited by the submitters: PubMed 28191890 (cited by Women's Health and Genetics/Laboratory Corporation of America, LabCorp).